The following is an entry in ClinVar:

NM_178822.5(IGSF10):c.2528C>G (p.Ser843Cys)

Gene: IGSF10 (immunoglobulin superfamily member 10; minus strand). Cytogenetic location: 3q25.1.
Variant type: single nucleotide variant.
Coding change: c.2528C>G on transcript NM_178822.5 (MANE Select); coding-DNA position 2528, C replaced by G.
Protein change: p.Ser843Cys; replaces serine 843 with cysteine.
Molecular consequence: missense variant.
Genome position (GRCh38, 1-based): chr3:151,447,453, G>C on the plus strand (C>G on the coding strand, the complement: IGSF10 is on the minus strand). VCF-style: chr3-151447453-G-C. GRCh37 (hg19) VCF-style: chr3-151165241-G-C.
Other names: c.2528C>G, p.Ser843Cys (NM_001385060.1, NM_001385061.1, NM_001385062.1 and 1 more transcripts); short protein forms S843C.
Identifiers: ClinVar variation 1650346 (VCV001650346.10), dbSNP rs142202060, ClinGen allele CA2670332.

ClinVar aggregate classification (germline): Likely benign. Review status: criteria provided, multiple submitters, no conflicts (2 of 4 stars). 2 submissions from 2 submitters: Likely benign (2). Last evaluated 2026-04-01.

Allele frequency attached by ClinVar (database versions not stated): ExAC 0.00115; gnomAD 0.00121 and 0.00123; 1000 Genomes Project 30x 0.00031; 1000 Genomes Project 0.00040; ESP Exome Variant Server 0.00092; TOPMed 0.00092; gnomAD exomes 0.00130.
gnomAD v4.1: 2,215 of 1,614,150 alleles (0.14%); highest among the groups gnomAD compares: South Asian, 0.24%; 6 homozygotes.

Submissions (2):

CeGaT Center for Human Genetics Tuebingen
Classification: Likely benign. Last evaluated: 2026-04-01. Review status: criteria provided, single submitter. Criteria: CeGaT Center For Human Genetics Tuebingen Variant Classification Criteria Version 2. Collection method: clinical testing. Allele origin: germline. Affected: yes. Observed: 1 variant allele.
Comment: IGSF10: BP4, BS2

Labcorp Genetics (formerly Invitae), Labcorp
Classification: Likely benign. Last evaluated: 2026-01-19. Review status: criteria provided, single submitter. Criteria: Invitae Variant Classification Sherloc (09022015). Collection method: clinical testing. Allele origin: germline.